The following is an entry in ClinVar:

ClinVar aggregate classification (germline): Likely pathogenic (1 of 4 stars; one submission).

Submission:

GeneDx
Classification: Likely pathogenic. Last evaluated: 2018-01-15. Review status: criteria provided, single submitter. Criteria: GeneDx Variant Classification (06012015). Collection method: clinical testing. Allele origin: germline. Affected: yes.
Comment: Although the c.4844_4845delTC likely pathogenic variant in the COL5A1 gene has not been reported to our knowledge, this variant causes a shift in reading frame starting at codon leucine 1615, changing it to a glutamine, and creating a premature stop codon at position 8 of the new reading frame, denoted p.Leu1615GlnfsX8. This likely pathogenic variant is expected to result in either an abnormal, truncated protein product or loss of protein from this allele through nonsense-mediated mRNA decay. Other frameshift variants in the COL5A1 gene have been reported in Human Gene Mutation Database in association with cEDS (Stenson et al., 2014), indicating that loss of function is a mechanism of disease for this gene. Furthermore, the c.4844_4845delTC variant has not been observed in large population cohorts (Lek et al., 2016).

NM_000093.5(COL5A1):c.4844_4845del (p.Leu1615fs)

Genes: COL5A1 (collagen type V alpha 1 chain; plus strand), LOC101448202 (uncharacterized LOC101448202; minus strand). Cytogenetic location: 9q34.3.
Variant type: Microsatellite.
Coding change: c.4844_4845del on transcript NM_000093.5 (MANE Select); coding-DNA positions 4844 to 4845, 2 bases deleted (TC; older notation c.4844_4845delTC).
Protein change: p.Leu1615fs; shifts the reading frame from leucine 1615.
Molecular consequence: frameshift variant.
Genome position (GRCh38, 1-based): chr9:134,824,745-134,824,746, TC deleted; deleting any 2 consecutive bases within chr9:134,824,740-134,824,746 gives the same sequence; the c. name uses the placement nearest the transcript's 3' end. VCF-style (leftmost placement, unchanged base first): chr9-134824739-GCT-G. GRCh37 (hg19) VCF-style: chr9-137716585-GCT-G.
Other names: c.4844_4845del, p.Leu1615fs (NM_001278074.1); short protein forms L1615fs.
Identifiers: ClinVar variation 504030 (VCV000504030.2), dbSNP rs1554808136, ClinGen allele CA658797356.